The following is an entry in ClinVar:

NM_023110.3(FGFR1):c.1855-2A>C

Gene: FGFR1 (fibroblast growth factor receptor 1; minus strand). Cytogenetic location: 8p11.23.
Variant type: single nucleotide variant.
Coding change: c.1855-2A>C on transcript NM_023110.3 (MANE Select); the canonical splice acceptor site of the intron before coding-DNA position 1855, A replaced by C.
Molecular consequence: splice acceptor variant.
Genome position (GRCh38, 1-based): chr8:38,414,903, T>G on the plus strand (A>C on the coding strand, the complement: FGFR1 is on the minus strand). VCF-style: chr8-38414903-T-G. GRCh37 (hg19) VCF-style: chr8-38272421-T-G.
Other names: c.1576-2A>C (NM_001354368.2); c.1582-2A>C (NM_001354370.2, NM_023106.3); c.1588-2A>C (NM_023105.3, NM_001174066.2); c.1849-2A>C (NM_001354367.2, NM_015850.4, NM_001174063.2 and 1 more transcripts); c.1825-2A>C (NM_001174064.2); c.1843-2A>C (NM_001354369.2, NM_001410922.1); c.1948-2A>C (NM_001174067.2).
Identifiers: ClinVar variation 2505399 (VCV002505399.1), dbSNP rs1554548434, ClinGen allele CA370730666.
Genomic context (GRCh38, chr8:38,414,903, plus strand): 5'-TTCATCACATTGTCCTCTGTCACCAGGACATTCCTGGCTGCCAGGTCTCGGTGTATGCAC[T>G]GAGGAAGGAGGAAGGGAGAGCGGGAGGCGGGGAGGTGAGGGAGCTGGAAGGCTCTGGGCG-3'

ClinVar aggregate classification (germline): Pathogenic (1 of 4 stars; one submission).

Conditions:
Hypogonadotropic hypogonadism 2 with or without anosmia (HH2). Also called: FGFR1-Related GnRH Deficiency (Kallmann Syndrome 2); HYPOGONADOTROPIC HYPOGONADISM 2 WITHOUT ANOSMIA; HYPOGONADOTROPIC HYPOGONADISM 2 WITH OR WITHOUT ANOSMIA, SUSCEPTIBILITY TO; HYPOGONADOTROPIC HYPOGONADISM 2 WITHOUT ANOSMIA, SUSCEPTIBILITY TO. Identifiers: Orphanet 478, MedGen C1563720, MONDO:0007844, OMIM 147950. Disease mechanism: loss of function.

Submission:

Reproductive Endocrine Unit, Massachusetts General Hospital
Classification: Pathogenic for Hypogonadotropic hypogonadism 2 with or without anosmia. Last evaluated: 2023-05-04. Review status: criteria provided, single submitter. Criteria: ACMG Guidelines, 2015. Collection method: research. Allele origin: unknown. Affected: yes. Observed: 1 variant allele.
Comment: The variant NM_023110.2:c.1855-2A>C, has been classified as P1c based on the variant meeting the following ACMG Criteria: PVS1,PM2,PP3.